The following is an entry in ClinVar:

NM_000264.5(PTCH1):c.2038G>A (p.Glu680Lys)

Genes: PTCH1 (patched 1; minus strand), LOC100507346 (uncharacterized LOC100507346; plus strand). Cytogenetic location: 9q22.32.
Variant type: single nucleotide variant.
Coding change: c.2038G>A on transcript NM_000264.5 (MANE Select); coding-DNA position 2038, G replaced by A.
Protein change: p.Glu680Lys; replaces glutamic acid 680 with lysine.
Molecular consequence: missense variant. On other transcripts: non-coding transcript variant (2).
Genome position (GRCh38, 1-based): chr9:95,468,963, C>T on the plus strand (G>A on the coding strand, the complement: PTCH1 is on the minus strand). VCF-style: chr9-95468963-C-T. GRCh37 (hg19) VCF-style: chr9-98231245-C-T.
Other names: c.1840G>A, p.Glu614Lys (NM_001083602.3); c.2035G>A, p.Glu679Lys (NM_001083603.3); c.1585G>A, p.Glu529Lys (NM_001083604.3, NM_001083605.3, NM_001083606.3 and 1 more transcripts); c.1882G>A, p.Glu628Lys (NM_001354918.2); short protein forms E628K, E679K, E529K, E614K, E680K.
Identifiers: ClinVar variation 5027460 (VCV005027460.1).

ClinVar aggregate classification (germline): Uncertain significance (1 of 4 stars; one submission).

Conditions:
Hereditary cancer-predisposing syndrome. Also called: Neoplastic Syndromes, Hereditary; Tumor predisposition; Hereditary neoplastic syndrome; Hereditary Cancer Syndrome. Identifiers: Orphanet 140162, MedGen C0027672, MeSH D009386, MONDO:0015356.

Submission:

Ambry Genetics
Classification: Uncertain significance for Hereditary cancer-predisposing syndrome. Last evaluated: 2026-07-13. Review status: criteria provided, single submitter. Criteria: Ambry Variant Classification Scheme 2023. Collection method: clinical testing. Allele origin: germline.
Comment: The p.E680K variant (also known as c.2038G>A), located in coding exon 14 of the PTCH1 gene, results from a G to A substitution at nucleotide position 2038. The glutamic acid at codon 680 is replaced by lysine, an amino acid with similar properties. This amino acid position is conserved. In addition, this alteration is predicted to be deleterious by in silico analysis. Based on the available evidence, the clinical significance of this variant remains unclear.